The following is an entry in ClinVar:

NM_138694.4(PKHD1):c.4343A>G (p.Glu1448Gly)

Gene: PKHD1 (PKHD1 ciliary IPT domain containing fibrocystin/polyductin; minus strand). Cytogenetic location: 6p12.2.
Variant type: single nucleotide variant.
Coding change: c.4343A>G on transcript NM_138694.4 (MANE Select); coding-DNA position 4343, A replaced by G.
Protein change: p.Glu1448Gly; replaces glutamic acid 1448 with glycine.
Molecular consequence: missense variant.
Genome position (GRCh38, 1-based): chr6:52,025,467, T>C on the plus strand (A>G on the coding strand, the complement: PKHD1 is on the minus strand). VCF-style: chr6-52025467-T-C. GRCh37 (hg19) VCF-style: chr6-51890265-T-C.
Other names: c.4343A>G, p.Glu1448Gly (NM_170724.3); short protein forms E1448G.
Identifiers: ClinVar variation 96403 (VCV000096403.42), dbSNP rs116809571, ClinGen allele CA149510.

ClinVar aggregate classification (germline): Conflicting classifications of pathogenicity. Review status: criteria provided, conflicting classifications (1 of 4 stars). 12 submissions from 12 submitters: Uncertain significance (1); Benign (7); Likely benign (1). 3 of the submissions do not count toward it. Last evaluated 2026-05-01.

Conditions:
Polycystic kidney disease 4 (PKD4). Also called: POLYCYSTIC KIDNEY AND HEPATIC DISEASE 1; POLYCYSTIC KIDNEY DISEASE, INFANTILE, TYPE I; POLYCYSTIC KIDNEY DISEASE 4 WITH OR WITHOUT POLYCYSTIC LIVER DISEASE; Autosomal Recessive Polycystic Kidney Disease – PKHD1; PKD3. Identifiers: MedGen C4540575, MONDO:0033004, OMIM 263200.
Autosomal recessive polycystic kidney disease (ARPKD). Also called: AR polycystic kidney disease. Identifiers: Orphanet 731, Orphanet 8378, MedGen C0085548, MeSH D017044, MONDO:0009889.

Allele frequency attached by ClinVar (database versions not stated): TOPMed 0.00666; gnomAD exomes 0.00171; ExAC 0.00202; gnomAD 0.00632 and 0.00601; 1000 Genomes Project 0.00699; 1000 Genomes Project 30x 0.00765; ESP Exome Variant Server 0.00630.
gnomAD v4.1: 1,855 of 1,610,626 alleles (0.12%); highest among the groups gnomAD compares: African/African-American, 2.1%; 20 homozygotes.

Submissions (12):

CeGaT Center for Human Genetics Tuebingen
Classification: Benign. Last evaluated: 2026-05-01. Review status: criteria provided, single submitter. Criteria: CeGaT Center For Human Genetics Tuebingen Variant Classification Criteria Version 2. Collection method: clinical testing. Allele origin: germline. Affected: yes. Observed: 2 variant alleles.
Comment: PKHD1: BP4, BS1, BS2

Labcorp Genetics (formerly Invitae), Labcorp
Classification: Benign for Autosomal recessive polycystic kidney disease. Last evaluated: 2026-02-02. Review status: criteria provided, single submitter. Criteria: Invitae Variant Classification Sherloc (09022015). Collection method: clinical testing. Allele origin: germline.

Mayo Clinic Laboratories, Mayo Clinic
Classification: Benign. Last evaluated: 2024-10-23. Review status: criteria provided, single submitter. Criteria: ACMG Guidelines, 2015. Collection method: clinical testing. Allele origin: germline. Observed: 7 variant alleles.
Comment: BA1, BP4

GeneDx
Classification: Benign. Last evaluated: 2020-04-01. Review status: criteria provided, single submitter. Criteria: GeneDx Variant Classification (06012015). Collection method: clinical testing. Allele origin: germline. Affected: yes.
Comment: This variant is associated with the following publications: (PMID: 27225849)

Illumina Laboratory Services, Illumina
Classification: Uncertain significance for Polycystic kidney disease 4. Last evaluated: 2017-04-28. Review status: criteria provided, single submitter. Criteria: ICSL Variant Classification Criteria 13 December 2019. Collection method: clinical testing. Allele origin: germline.
Comment: This variant was observed as part of a predisposition screen in an ostensibly healthy population. A literature search was performed for the gene, cDNA change, and amino acid change (where applicable). Publications were found based on this search. However, the evidence from the literature, in combination with allele frequency data from public databases where available, was not sufficient to rule this variant in or out of causing disease. Therefore, this variant is classified as a variant of unknown significance.

Women's Health and Genetics/Laboratory Corporation of America, LabCorp
Classification: Benign. Last evaluated: 2016-04-26. Review status: criteria provided, single submitter. Criteria: LabCorp Variant Classification Summary - May 2015. Collection method: clinical testing. Allele origin: germline.
Comment: Variant summary: The c.4343A>G in PKHD1 gene is a missense change that alters a non-conserved nucleotide and 3/4 in silico tools predict benign outcome. The variant was observed in the large and broad cohorts of the ExAC project at an allele frequency of 0.2%, predominantly in individuals of African descent (2.1%), including 2 homozygous occurrences. This frequency exceeds the maximal expected allele frequency for a pathogenic variant in PKHD1 gene (0.7%). The variant of interest has not, to our knowledge, been reported in affected individuals in published reports. Lastly, a reputable database/diagnostic center classified the variant of interest as Benign. Taking together, the variant was classified as Benign.

Center for Pediatric Genomic Medicine, Children's Mercy Hospital and Clinics
Classification: Likely benign. Last evaluated: 2015-10-29. Review status: criteria provided, single submitter. Criteria: ACMG Guidelines, 2015. Collection method: clinical testing. Allele origin: germline.
ClinVar note: Converted during submission from Likely Benign to Likely benign.

Eurofins Ntd Llc (ga)
Classification: Benign. Last evaluated: 2013-04-15. Review status: criteria provided, single submitter. Criteria: EGL Classification Definitions 2015. Collection method: clinical testing. Allele origin: germline. Observed: 2 variant alleles, 2 heterozygotes.

PreventionGenetics, part of Exact Sciences
Classification: Benign. Review status: criteria provided, single submitter. Criteria: ACMG Guidelines, 2015. Collection method: clinical testing. Allele origin: germline.

Genetic Services Laboratory, University of Chicago
Classification: Benign. Last evaluated: 2022-09-13. Review status: no assertion criteria provided. Collection method: clinical testing. Allele origin: germline. Affected: no. Not counted in ClinVar's aggregate classification.

Counsyl
Classification: Likely benign for Polycystic kidney disease 4. Last evaluated: 2018-06-04. Review status: no assertion criteria provided. Collection method: clinical testing. Allele origin: unknown. Not counted in ClinVar's aggregate classification.

Natera, Inc.
Classification: Benign for Autosomal recessive polycystic kidney disease. Last evaluated: 2017-05-17. Review status: no assertion criteria provided. Collection method: clinical testing. Allele origin: germline. Not counted in ClinVar's aggregate classification.

Literature cited by the submitters: PubMed 27225849 (cited by 3 submitters).